The following is an entry in ClinVar:

ClinVar aggregate classification (germline): Pathogenic (1 of 4 stars; one submission).

Conditions:
Primary ciliary dyskinesia. Also called: Ciliary dyskinesia. Identifiers: Orphanet 244, MedGen C0008780, MONDO:0016575, HP:0012265.

Submission:

Labcorp Genetics (formerly Invitae), Labcorp
Classification: Pathogenic for Primary ciliary dyskinesia. Last evaluated: 2022-10-03. Review status: criteria provided, single submitter. Criteria: Invitae Variant Classification Sherloc (09022015). Collection method: clinical testing. Allele origin: germline.
Comment: For these reasons, this variant has been classified as Pathogenic. This variant has not been reported in the literature in individuals affected with DNAH11-related conditions. This variant is not present in population databases (gnomAD no frequency). This sequence change creates a premature translational stop signal (p.Trp1129Glyfs*8) in the DNAH11 gene. It is expected to result in an absent or disrupted protein product. Loss-of-function variants in DNAH11 are known to be pathogenic (PMID: 18022865, 20513915, 22184204).

Literature cited by the submitters: PubMed 18022865; PubMed 20513915; PubMed 22184204.

NM_001277115.2(DNAH11):c.3384del (p.Trp1129fs)

Genes: DNAH11 (dynein axonemal heavy chain 11; plus strand), LOC126859961 (BRD4-independent group 4 enhancer GRCh37_chr7:21639662-21640861; plus strand). Cytogenetic location: 7p15.3.
Variant type: Deletion.
Coding change: c.3384del on transcript NM_001277115.2 (MANE Select); coding-DNA position 3384, one base deleted (C; older notation c.3384delC).
Protein change: p.Trp1129fs; shifts the reading frame from tryptophan 1129.
Molecular consequence: frameshift variant.
Genome position (GRCh38, 1-based): chr7:21,601,138, C deleted. VCF-style (leftmost placement, unchanged base first): chr7-21601137-GC-G. GRCh37 (hg19) VCF-style: chr7-21640755-GC-G.
Other names: c.3384delC, p.Trp1129Glyfs (NM_003777.3); short protein forms W1129fs.
Identifiers: ClinVar variation 2033910 (VCV002033910.4), dbSNP rs2534633898, ClinGen allele CA2580076920.